The following is an entry in ClinVar:

NM_006073.4(TRDN):c.1732C>T (p.Pro578Ser)

Gene: TRDN (triadin; minus strand). Cytogenetic location: 6q22.31.
Variant type: single nucleotide variant.
Coding change: c.1732C>T on transcript NM_006073.4 (MANE Select); coding-DNA position 1732, C replaced by T.
Protein change: p.Pro578Ser; replaces proline 578 with serine.
Molecular consequence: missense variant.
Genome position (GRCh38, 1-based): chr6:123,269,855, G>A on the plus strand (C>T on the coding strand, the complement: TRDN is on the minus strand). VCF-style: chr6-123269855-G-A. GRCh37 (hg19) VCF-style: chr6-123591000-G-A.
Other names: short protein forms P578S.
Identifiers: ClinVar variation 2081814 (VCV002081814.4), dbSNP rs1302102567, ClinGen allele CA365564101.
Genomic context (GRCh38, chr6:123,269,855, plus strand): 5'-AAAGCTGAAATGGTCAAGCGATATTTCTCAGGTGTTATTCTATTCATCTCTTACTTGTTG[G>A]TTTGGGCTTGGCTGTGGAGAATGGAGGCAAGCACATGGCATATTGATGAGTACAAACCAT-3'
Protein context (NP_006064.2, residues 568-588): VTIEKTAKPK[Pro578Ser]TKKAEHRERE

ClinVar aggregate classification (germline): Uncertain significance (1 of 4 stars; one submission).

Conditions:
Catecholaminergic polymorphic ventricular tachycardia 1. Also called: VENTRICULAR TACHYCARDIA, CATECHOLAMINERGIC POLYMORPHIC, 1, WITH OR WITHOUT ATRIAL DYSFUNCTION AND/OR DILATED CARDIOMYOPATHY; RYR2-Related Catecholaminergic Polymorphic Ventricular Tachycardia; VENTRICULAR TACHYCARDIA, STRESS-INDUCED POLYMORPHIC 1. Identifiers: Orphanet 3286, MedGen C1631597, MONDO:0011484, OMIM 604772.

Allele frequency attached by ClinVar (database versions not stated): gnomAD exomes below 0.00001.
gnomAD v4.1: 1 of 1,610,558 alleles (0.000062%); highest among the groups gnomAD compares: Non-Finnish European, 0.000085%; no homozygotes.

Submission:

Labcorp Genetics (formerly Invitae), Labcorp
Classification: Uncertain significance for Catecholaminergic polymorphic ventricular tachycardia 1. Last evaluated: 2022-07-02. Review status: criteria provided, single submitter. Criteria: Invitae Variant Classification Sherloc (09022015). Collection method: clinical testing. Allele origin: germline.
Comment: This variant is not present in population databases (gnomAD no frequency). In summary, the available evidence is currently insufficient to determine the role of this variant in disease. Therefore, it has been classified as a Variant of Uncertain Significance. Algorithms developed to predict the effect of missense changes on protein structure and function output the following: SIFT: "Tolerated"; PolyPhen-2: "Possibly Damaging"; Align-GVGD: "Class C0". The serine amino acid residue is found in multiple mammalian species, which suggests that this missense change does not adversely affect protein function. This variant has not been reported in the literature in individuals affected with TRDN-related conditions. This sequence change replaces proline, which is neutral and non-polar, with serine, which is neutral and polar, at codon 578 of the TRDN protein (p.Pro578Ser).